The following is an entry in ClinVar:

NM_005612.5(REST):c.1271A>C (p.Lys424Thr)

Gene: REST (RE1 silencing transcription factor; plus strand). Cytogenetic location: 4q12.
Variant type: single nucleotide variant.
Coding change: c.1271A>C on transcript NM_005612.5 (MANE Select); coding-DNA position 1271, A replaced by C.
Protein change: p.Lys424Thr; replaces lysine 424 with threonine.
Molecular consequence: missense variant.
Genome position (GRCh38, 1-based): chr4:56,930,129, A>C. VCF-style: chr4-56930129-A-C. GRCh37 (hg19) VCF-style: chr4-57796295-A-C.
Other names: c.1271A>C, p.Lys424Thr (NM_001193508.2, NM_001363453.3); short protein forms K424T.
Identifiers: ClinVar variation 2883822 (VCV002883822.3), dbSNP rs1346305938, ClinGen allele CA357006245.

ClinVar aggregate classification (germline): Uncertain significance (1 of 4 stars; one submission).

Allele frequency attached by ClinVar (database versions not stated): gnomAD exomes below 0.00001; TOPMed below 0.00001.
gnomAD v4.1: 6 of 1,613,754 alleles (0.00037%); highest among the groups gnomAD compares: South Asian, 0.0011%; no homozygotes.

Submission:

Labcorp Genetics (formerly Invitae), Labcorp
Classification: Uncertain significance. Last evaluated: 2023-12-08. Review status: criteria provided, single submitter. Criteria: Invitae Variant Classification Sherloc (09022015). Collection method: clinical testing. Allele origin: germline.
Comment: This sequence change replaces lysine, which is basic and polar, with threonine, which is neutral and polar, at codon 424 of the REST protein (p.Lys424Thr). This variant is present in population databases (no rsID available, gnomAD 0.0009%). This variant has not been reported in the literature in individuals affected with REST-related conditions. An algorithm developed to predict the effect of missense changes on protein structure and function (PolyPhen-2) suggests that this variant is likely to be disruptive. In summary, the available evidence is currently insufficient to determine the role of this variant in disease. Therefore, it has been classified as a Variant of Uncertain Significance.